The following is an entry in ClinVar:

ClinVar aggregate classification (germline): Uncertain significance (1 of 4 stars; one submission).

Conditions:
Familial adenomatous polyposis 1 (FAP1). Also called: FAMILIAL ADENOMATOUS POLYPOSIS 1, ATTENUATED; POLYPOSIS, ADENOMATOUS INTESTINAL. Identifiers: MedGen C2713442, MONDO:0021056, OMIM 175100. Disease mechanism: loss of function.

Submission:

Labcorp Genetics (formerly Invitae), Labcorp
Classification: Uncertain significance for Familial adenomatous polyposis 1. Last evaluated: 2021-05-09. Review status: criteria provided, single submitter. Criteria: Invitae Variant Classification Sherloc (09022015). Collection method: clinical testing. Allele origin: germline.
Comment: In summary, the available evidence is currently insufficient to determine the role of this variant in disease. Therefore, it has been classified as a Variant of Uncertain Significance. Experimental studies and prediction algorithms are not available or were not evaluated, and the functional significance of this variant is currently unknown. This variant has not been reported in the literature in individuals with APC-related conditions. The frequency data for this variant in the population databases is considered unreliable, as metrics indicate insufficient coverage at this position in the ExAC database. This variant occurs in a non-coding region of the APC gene. It does not change the encoded amino acid sequence of the APC protein.

NM_001127511.3(APC):c.23G>A (p.Gly8Asp)

Gene: APC (APC regulator of Wnt signaling pathway; plus strand). Cytogenetic location: 5q22.2.
Variant type: single nucleotide variant.
Coding change: c.23G>A on transcript NM_001127511.3; coding-DNA position 23, G replaced by A.
Protein change: p.Gly8Asp; replaces glycine 8 with aspartic acid.
Molecular consequence: missense variant. On other transcripts: 5 prime UTR variant (8), non-coding transcript variant (1), intron variant (5).
Genome position (GRCh38, 1-based): chr5:112,707,740, G>A. VCF-style: chr5-112707740-G-A. GRCh37 (hg19) VCF-style: chr5-112043437-G-A.
Other names: c.-161G>A (NM_001354895.2, NM_001407447.1, NM_001407452.1 and 3 more transcripts); c.23G>A, p.Gly8Asp (NM_001354897.2, NM_001354902.2, NM_001407446.1); c.-1196G>A (NM_001407470.1, NM_001407472.1); c.-19+91G>A (NM_001407448.1, NM_001407450.1, NM_001407457.1 and 1 more transcripts); c.-43+91G>A (NM_001407453.1); short protein forms G8D.
Identifiers: ClinVar variation 1494996 (VCV001494996.6), dbSNP rs2149630546, ClinGen allele CA360611640.